The following is an entry in ClinVar:

ClinVar aggregate classification (germline): Likely benign. Review status: criteria provided, multiple submitters, no conflicts (2 of 4 stars). 2 submissions from 2 submitters: Likely benign (2). Last evaluated 2024-03-23.

Conditions:
Familial adenomatous polyposis 1 (FAP1). Also called: POLYPOSIS, ADENOMATOUS INTESTINAL; FAMILIAL ADENOMATOUS POLYPOSIS 1, ATTENUATED. Identifiers: MedGen C2713442, MONDO:0021056, OMIM 175100. Disease mechanism: loss of function.

gnomAD v4.1: 1 of 1,603,394 alleles (0.000062%); highest among the groups gnomAD compares: East Asian, 0.0022%; no homozygotes.

Submissions (2):

Labcorp Genetics (formerly Invitae), Labcorp
Classification: Likely benign for Familial adenomatous polyposis 1. Last evaluated: 2024-03-23. Review status: criteria provided, single submitter. Criteria: Invitae Variant Classification Sherloc (09022015). Collection method: clinical testing. Allele origin: germline.

Myriad Genetics, Inc.
Classification: Likely benign for Familial adenomatous polyposis 1. Last evaluated: 2024-02-29. Review status: criteria provided, single submitter. Criteria: Myriad Autosomal Dominant, Autosomal Recessive and X-Linked Classification Criteria (2023). Collection method: clinical testing. Allele origin: unknown.
Comment: This variant is considered likely benign. This variant is intronic and is not expected to impact mRNA splicing.

NM_000038.6(APC):c.933+10G>T

Gene: APC (APC regulator of Wnt signaling pathway; plus strand). Cytogenetic location: 5q22.2.
Variant type: single nucleotide variant.
Coding change: c.933+10G>T on transcript NM_000038.6 (MANE Select); 10 bases into the intron after coding-DNA position 933, G replaced by T.
Molecular consequence: intron variant.
Genome position (GRCh38, 1-based): chr5:112,815,603, G>T. VCF-style: chr5-112815603-G-T. GRCh37 (hg19) VCF-style: chr5-112151300-G-T.
Other names: c.933+10G>T (NM_001354895.2, NM_001127510.3, NM_001354896.2 and 1 more transcripts); c.963+10G>T (NM_001354897.2, NM_001354902.2); c.879+10G>T (NM_001127511.3); c.858+10G>T (NM_001354898.2, NM_001354904.2); c.84+10G>T (NM_001354906.2); c.849+10G>T (NM_001354899.2); c.756+10G>T (NM_001354900.2, NM_001354901.2, NM_001354905.2).
Identifiers: ClinVar variation 1993863 (VCV001993863.5), dbSNP rs749008865, ClinGen allele CA561903422.